The following is an entry in ClinVar:

NM_015599.3(PGM3):c.-2-190T>C

Gene: PGM3 (phosphoglucomutase 3; minus strand). Cytogenetic location: 6q14.1.
Variant type: single nucleotide variant.
Coding change: c.-2-190T>C on transcript NM_015599.3 (MANE Select); 190 bases into the intron before 2 bases upstream of the start codon, T replaced by C.
Molecular consequence: intron variant. On other transcripts: missense variant (2).
Genome position (GRCh38, 1-based): chr6:83,191,204, A>G on the plus strand (T>C on the coding strand, the complement: PGM3 is on the minus strand). VCF-style: chr6-83191204-A-G. GRCh37 (hg19) VCF-style: chr6-83900923-A-G.
Other names: c.65T>C, p.Val22Ala (NM_001199917.2, NM_001367287.1); c.-40+1975T>C (NM_001199918.2); c.-2-190T>C (NM_001367286.1, NM_001199919.2); short protein forms V22A.
Identifiers: ClinVar variation 1349727 (VCV001349727.5), dbSNP rs73749738, ClinGen allele CA364854439.

ClinVar aggregate classification (germline): Uncertain significance (1 of 4 stars; one submission).

Conditions:
Immunodeficiency 23 (IMD23). Also called: IMMUNODEFICIENCY WITH HYPER IgE AND COGNITIVE IMPAIRMENT; IMMUNODEFICIENCY-VASCULITIS-MYOCLONUS SYNDROME. Identifiers: Orphanet 443811, MedGen C4014371, MONDO:0014353, OMIM 615816.

gnomAD v4.1: 15 of 1,534,522 alleles (0.00098%); highest among the groups gnomAD compares: South Asian, 0.0024%; no homozygotes.

Submission:

Labcorp Genetics (formerly Invitae), Labcorp
Classification: Uncertain significance for Immunodeficiency 23. Last evaluated: 2021-09-01. Review status: criteria provided, single submitter. Criteria: Invitae Variant Classification Sherloc (09022015). Collection method: clinical testing. Allele origin: germline.
Comment: This sequence change replaces valine with alanine at codon 22 of the PGM3 protein (p.Val22Ala). The valine residue is weakly conserved and there is a small physicochemical difference between valine and alanine. The frequency data for this variant in the population databases is considered unreliable, as metrics indicate insufficient coverage at this position in the ExAC database. This variant has not been reported in the literature in individuals affected with PGM3-related conditions. Algorithms developed to predict the effect of missense changes on protein structure and function are either unavailable or do not agree on the potential impact of this missense change (SIFT: "Deleterious"; PolyPhen-2: "Benign"; Align-GVGD: "Class C0"). In summary, the available evidence is currently insufficient to determine the role of this variant in disease. Therefore, it has been classified as a Variant of Uncertain Significance.